The following is an entry in ClinVar:

ClinVar aggregate classification (germline): Likely benign. Review status: criteria provided, multiple submitters, no conflicts (2 of 4 stars). 5 submissions from 5 submitters: Likely benign (4). 1 of the submissions does not count toward it. Last evaluated 2025-05-05.

Conditions:
Osteogenesis imperfecta (OI). Identifiers: Orphanet 666, MedGen C0029434, MeSH D010013, MONDO:0019019.
LRP5-related disorder. Also called: LRP5-related condition.

Allele frequency attached by ClinVar (database versions not stated): gnomAD below 0.00001 and 0.00015; TOPMed 0.00003; gnomAD exomes 0.00041 and 0.00079; ExAC 0.00095; 1000 Genomes Project 0.00100; 1000 Genomes Project 30x 0.00125.

Submissions (5):

Labcorp Genetics (formerly Invitae), Labcorp
Classification: Likely benign. Last evaluated: 2025-05-05. Review status: criteria provided, single submitter. Criteria: Invitae Variant Classification Sherloc (09022015). Collection method: clinical testing. Allele origin: germline.

Women's Health and Genetics/Laboratory Corporation of America, LabCorp
Classification: Likely benign. Last evaluated: 2024-04-23. Review status: criteria provided, single submitter. Criteria: LabCorp Variant Classification Summary - May 2015. Collection method: clinical testing. Allele origin: germline.

Blueprint Genetics
Classification: Likely benign. Last evaluated: 2024-03-11. Review status: criteria provided, single submitter. Criteria: ACMG Guidelines, 2015. Collection method: clinical testing. Allele origin: germline.

Genome Diagnostics Laboratory, The Hospital for Sick Children
Classification: Likely benign for Osteogenesis imperfecta. Last evaluated: 2020-10-15. Review status: criteria provided, single submitter. Criteria: ACMG Guidelines, 2015. Collection method: clinical testing. Allele origin: germline.

PreventionGenetics, part of Exact Sciences
Classification: Likely benign for LRP5-related condition. Last evaluated: 2019-03-01. Review status: no assertion criteria provided. Collection method: clinical testing. Allele origin: germline. Not counted in ClinVar's aggregate classification.
Comment: This variant is classified as likely benign based on ACMG/AMP sequence variant interpretation guidelines (Richards et al. 2015 PMID: 25741868, with internal and published modifications).

NM_002335.4(LRP5):c.3487C>T (p.Leu1163Phe)

Gene: LRP5 (LDL receptor related protein 5; plus strand). Cytogenetic location: 11q13.2.
Variant type: single nucleotide variant.
Coding change: c.3487C>T on transcript NM_002335.4 (MANE Select); coding-DNA position 3487, C replaced by T.
Protein change: p.Leu1163Phe; replaces leucine 1163 with phenylalanine.
Molecular consequence: missense variant.
Genome position (GRCh38, 1-based): chr11:68,426,037, C>T. VCF-style: chr11-68426037-C-T. GRCh37 (hg19) VCF-style: chr11-68193505-C-T.
Other names: c.1744C>T, p.Leu582Phe (NM_001291902.2); short protein forms L1163F, L582F.
Identifiers: ClinVar variation 736403 (VCV000736403.18), dbSNP rs562616743, ClinGen allele CA6150011.
Genomic context (GRCh38, chr11:68,426,037, plus strand): 5'-GGGGCCAACCGCCTGACCCTGGAGGACGCCAACATCGTGCAGCCTCTGGGCCTGACCATC[C>T]TTGGCAAGCATCTCTACTGGATCGACCGCCAGCAGCAGATGATCGAGCGTGTGGAGAAGA-3'
Protein context (NP_002326.2, residues 1153-1173): NIVQPLGLTI[Leu1163Phe]GKHLYWIDRQ